The following is an entry in ClinVar:

NM_004260.4(RECQL4):c.2825A>G (p.Tyr942Cys)

Gene: RECQL4 (RecQ like helicase 4; minus strand). Cytogenetic location: 8q24.3.
Variant type: single nucleotide variant.
Coding change: c.2825A>G on transcript NM_004260.4 (MANE Select); coding-DNA position 2825, A replaced by G.
Protein change: p.Tyr942Cys; replaces tyrosine 942 with cysteine.
Molecular consequence: missense variant.
Genome position (GRCh38, 1-based): chr8:144,512,702, T>C on the plus strand (A>G on the coding strand, the complement: RECQL4 is on the minus strand). VCF-style: chr8-144512702-T-C. GRCh37 (hg19) VCF-style: chr8-145738085-T-C.
Other names: c.2531A>G, p.Tyr844Cys (NM_001413017.1); c.2627A>G, p.Tyr876Cys (NM_001413018.1); c.2900A>G, p.Tyr967Cys (NM_001413019.1); c.2729A>G, p.Tyr910Cys (NM_001413020.1); c.1754A>G, p.Tyr585Cys (NM_001413021.1, NM_001413022.1, NM_001413024.1 and 4 more transcripts); c.1829A>G, p.Tyr610Cys (NM_001413023.1); c.2696A>G, p.Tyr899Cys (NM_001413025.1); c.1688A>G, p.Tyr563Cys (NM_001413027.1, NM_001413030.1, NM_001413032.1); and 9 more; short protein forms Y876C, Y899C, Y519C, Y825C, Y942C, Y453C, Y575C, Y610C.
Identifiers: ClinVar variation 2164510 (VCV002164510.4), dbSNP rs1586797102, ClinGen allele CA372674210.

ClinVar aggregate classification (germline): Uncertain significance (1 of 4 stars; one submission).

Conditions:
Baller-Gerold syndrome (BGS). Also called: CRANIOSYNOSTOSIS WITH RADIAL DEFECTS. Identifiers: Orphanet 1225, MedGen C0265308, MONDO:0009039, OMIM 218600.

Submission:

Labcorp Genetics (formerly Invitae), Labcorp
Classification: Uncertain significance for Baller-Gerold syndrome. Last evaluated: 2024-02-27. Review status: criteria provided, single submitter. Criteria: Invitae Variant Classification Sherloc (09022015). Collection method: clinical testing. Allele origin: germline.
Comment: This sequence change replaces tyrosine, which is neutral and polar, with cysteine, which is neutral and slightly polar, at codon 942 of the RECQL4 protein (p.Tyr942Cys). This variant is not present in population databases (gnomAD no frequency). This variant has not been reported in the literature in individuals affected with RECQL4-related conditions. ClinVar contains an entry for this variant (Variation ID: 2164510). Advanced modeling of protein sequence and biophysical properties (such as structural, functional, and spatial information, amino acid conservation, physicochemical variation, residue mobility, and thermodynamic stability) performed at Invitae indicates that this missense variant is not expected to disrupt RECQL4 protein function with a negative predictive value of 80%. In summary, the available evidence is currently insufficient to determine the role of this variant in disease. Therefore, it has been classified as a Variant of Uncertain Significance.